The following is an entry in ClinVar:

NM_016373.4(WWOX):c.*134C>T

Genes: MAF (MAF bZIP transcription factor; minus strand), WWOX (WW domain containing oxidoreductase; plus strand). Cytogenetic location: 16q23.2.
Variant type: single nucleotide variant.
Coding change: c.*134C>T on transcript NM_016373.4 (MANE Select); 134 bases downstream of the stop codon, C replaced by T.
Molecular consequence: 3 prime UTR variant.
Genome position (GRCh38, 1-based): chr16:79,211,930, C>T. VCF-style: chr16-79211930-C-T. GRCh37 (hg19) VCF-style: chr16-79245827-C-T.
Other names: c.*134C>T (NM_001291997.2).
Identifiers: ClinVar variation 2646889 (VCV002646889.25), dbSNP rs539177113, ClinGen allele CA8183877.
Genomic context (GRCh38, chr16:79,211,930, plus strand): 5'-CCTTCCAAATGTCCCTCCAACACAGATCCGCAAGAGTAAAGGAAATAAGAGCAGTCACAA[C>T]AGAGTGAAAAATCTTAAGTACCAATGGGAAGCAGGGAATTCCTGGGGTAAAGTATCACTT-3'

ClinVar aggregate classification (germline): Conflicting classifications of pathogenicity. Review status: criteria provided, conflicting classifications (1 of 4 stars). 2 submissions from 2 submitters: Uncertain significance (1); Likely benign (1). Last evaluated 2024-01-11.

Allele frequency attached by ClinVar (database versions not stated): ExAC 0.00030; 1000 Genomes Project 30x 0.00047; 1000 Genomes Project 0.00060; TOPMed 0.00130.
gnomAD v4.1: 340 of 1,538,950 alleles (0.022%); highest among the groups gnomAD compares: African/African-American, 0.36%; 2 homozygotes.

Submissions (2):

Women's Health and Genetics/Laboratory Corporation of America, LabCorp
Classification: Uncertain significance. Last evaluated: 2024-01-11. Review status: criteria provided, single submitter. Criteria: LabCorp Variant Classification Summary - May 2015. Collection method: clinical testing. Allele origin: germline.
Comment: Variant summary: WWOX c.*134C>T is located in the untranslated mRNA region downstream of the termination codon. The variant allele was found at a frequency of 0.00022 in 143786 control chromosomes (gnomAD). To our knowledge, no occurrence of c.*134C>T in individuals affected with Early Infantile Epileptic Encephalopathy, Autosomal Recessive and no experimental evidence demonstrating its impact on protein function have been reported. ClinVar contains an entry for this variant (Variation ID: 2646889). Based on the evidence outlined above, the variant was classified as uncertain significance.

CeGaT Center for Human Genetics Tuebingen
Classification: Likely benign. Last evaluated: 2022-07-01. Review status: criteria provided, single submitter. Criteria: CeGaT Center For Human Genetics Tuebingen Variant Classification Criteria Version 2. Collection method: clinical testing. Allele origin: germline. Affected: yes. Observed: 1 variant allele.
Comment: WWOX: BP4, BP7